The following is an entry in ClinVar:

NM_001379286.1(ZNF423):c.3361G>A (p.Ala1121Thr)

Gene: ZNF423 (zinc finger protein 423; minus strand). Cytogenetic location: 16q12.1.
Variant type: single nucleotide variant.
Coding change: c.3361G>A on transcript NM_001379286.1 (MANE Select); coding-DNA position 3361, G replaced by A.
Protein change: p.Ala1121Thr; replaces alanine 1121 with threonine.
Molecular consequence: missense variant.
Genome position (GRCh38, 1-based): chr16:49,635,815, C>T on the plus strand (G>A on the coding strand, the complement: ZNF423 is on the minus strand). VCF-style: chr16-49635815-C-T. GRCh37 (hg19) VCF-style: chr16-49669726-C-T.
Other names: p.Ala1113Thr; c.3157G>A, p.Ala1053Thr (NM_001271620.2); c.2986G>A, p.Ala996Thr (NM_001330533.2); c.3337G>A, p.Ala1113Thr (NM_015069.5); c.3337G>A (NM_015069.4); short protein forms A1053T, A1113T, A996T, A1121T.
Identifiers: ClinVar variation 260535 (VCV000260535.16), dbSNP rs147898137, ClinGen allele CA8046323.

ClinVar aggregate classification (germline): Benign/Likely benign. Review status: criteria provided, multiple submitters, no conflicts (2 of 4 stars). 8 submissions from 8 submitters: Benign (5); Likely benign (3). Last evaluated 2026-02-02.

Conditions:
Nephronophthisis 14 (NPHP14). Identifiers: Orphanet 2318, MedGen C3539071, MONDO:0013916, OMIM 614844.

Allele frequency attached by ClinVar (database versions not stated): 1000 Genomes Project 0.00599; 1000 Genomes Project 30x 0.00656; TOPMed 0.00972; gnomAD 0.01146 and 0.01162; gnomAD exomes 0.01289 and 0.01544; ExAC 0.01355; ESP Exome Variant Server 0.01441.
gnomAD v4.1: 24,130 of 1,609,014 alleles (1.5%); highest among the groups gnomAD compares: Non-Finnish European, 1.7%; 244 homozygotes.

Submissions (8):

Labcorp Genetics (formerly Invitae), Labcorp
Classification: Benign for Nephronophthisis 14. Last evaluated: 2026-02-02. Review status: criteria provided, single submitter. Criteria: Invitae Variant Classification Sherloc (09022015). Collection method: clinical testing. Allele origin: germline.

Mayo Clinic Laboratories, Mayo Clinic
Classification: Benign. Last evaluated: 2025-07-15. Review status: criteria provided, single submitter. Criteria: ACMG Guidelines, 2015. Collection method: clinical testing. Allele origin: germline. Observed: 2 variant alleles.
Comment: BA1, BP4_strong

Blueprint Genetics
Classification: Likely benign. Last evaluated: 2024-11-27. Review status: criteria provided, single submitter. Criteria: ACMG Guidelines, 2015. Collection method: clinical testing. Allele origin: germline.

Genome-Nilou Lab
Classification: Benign for Nephronophthisis 14. Last evaluated: 2021-12-05. Review status: criteria provided, single submitter. Criteria: ACMG Guidelines, 2015. Collection method: clinical testing. Allele origin: germline. Affected: no.

Clinical Genetics DNA and cytogenetics Diagnostics Lab, Erasmus MC, Erasmus Medical Center
Classification: Likely benign for Nephronophthisis 14. Last evaluated: 2017-06-28. Review status: criteria provided, single submitter. Criteria: ACGS Guidelines, 2013. Collection method: clinical testing. Allele origin: germline. Affected: yes. Study: VKGL Data-share Consensus.

PreventionGenetics, part of Exact Sciences
Classification: Benign. Last evaluated: 2016-03-24. Review status: criteria provided, single submitter. Criteria: ACMG Guidelines, 2015. Collection method: clinical testing. Allele origin: germline.

Genome Diagnostics Laboratory, University Medical Center Utrecht
Classification: Benign for Nephronophthisis 14. Last evaluated: 2014-10-09. Review status: criteria provided, single submitter. Criteria: ACGS Guidelines, 2013. Collection method: clinical testing. Allele origin: germline. Affected: yes. Study: VKGL Data-share Consensus.

Breakthrough Genomics
Classification: Likely benign. Review status: criteria provided, single submitter. Criteria: ACMG Guidelines, 2015. Collection method: not provided. Allele origin: germline. Inheritance: Autosomal dominant inheritance. Affected: yes.